The following is an entry in ClinVar:

NM_001353108.3(CEP63):c.155C>G (p.Thr52Ser)

Gene: CEP63 (centrosomal protein 63; plus strand). Cytogenetic location: 3q22.2.
Variant type: single nucleotide variant.
Coding change: c.155C>G on transcript NM_001353108.3 (MANE Select); coding-DNA position 155, C replaced by G.
Protein change: p.Thr52Ser; replaces threonine 52 with serine.
Molecular consequence: missense variant. On other transcripts: 5 prime UTR variant (1), non-coding transcript variant (4).
Genome position (GRCh38, 1-based): chr3:134,507,219, C>G. VCF-style: chr3-134507219-C-G. GRCh37 (hg19) VCF-style: chr3-134226061-C-G.
Other names: c.155C>G, p.Thr52Ser (NM_001042383.2, NM_001042384.2, NM_001042400.3 and 13 more transcripts); c.182C>G, p.Thr61Ser (NM_001353118.1); c.71C>G, p.Thr24Ser (NM_001353125.2); c.-227C>G (NM_001353126.2); short protein forms T24S, T61S, T52S.
Identifiers: ClinVar variation 2747812 (VCV002747812.3), dbSNP rs2546421708, ClinGen allele CA354631388.

ClinVar aggregate classification (germline): Uncertain significance (1 of 4 stars; one submission).

Submission:

Labcorp Genetics (formerly Invitae), Labcorp
Classification: Uncertain significance. Last evaluated: 2025-05-19. Review status: criteria provided, single submitter. Criteria: Invitae Variant Classification Sherloc (09022015). Collection method: clinical testing. Allele origin: germline.
Comment: This sequence change replaces threonine, which is neutral and polar, with serine, which is neutral and polar, at codon 52 of the CEP63 protein (p.Thr52Ser). This variant is not present in population databases (gnomAD no frequency). This variant has not been reported in the literature in individuals affected with CEP63-related conditions. ClinVar contains an entry for this variant (Variation ID: 2747812). Invitae Evidence Modeling of protein sequence and biophysical properties (such as structural, functional, and spatial information, amino acid conservation, physicochemical variation, residue mobility, and thermodynamic stability) indicates that this missense variant is not expected to disrupt CEP63 protein function with a negative predictive value of 80%. In summary, the available evidence is currently insufficient to determine the role of this variant in disease. Therefore, it has been classified as a Variant of Uncertain Significance.